The following is an entry in ClinVar:

ClinVar aggregate classification (germline): Benign/Likely benign. Review status: criteria provided, multiple submitters, no conflicts (2 of 4 stars). 12 submissions from 11 submitters: Benign (3); Likely benign (6). 3 of the submissions do not count toward it. Last evaluated 2026-02-02.

Conditions:
KCNT1-related disorder. Also called: KCNT1-related condition.
Inborn genetic diseases. Identifiers: MedGen C0950123, MeSH D030342.
Autosomal dominant nocturnal frontal lobe epilepsy 5. Also called: CILIARY DYSKINESIA, PRIMARY, 28, WITHOUT SITUS INVERSUS; CILIARY DYSKINESIA, PRIMARY, 28, WITH SITUS INVERSUS; KCNT1-Related Epilepsy; Epilepsy, nocturnal frontal lobe, 5. Identifiers: Orphanet 98784, MedGen C3554306, MONDO:0014002, OMIM 615005.
Developmental and epileptic encephalopathy, 14 (DEE14). Also called: Early infantile epileptic encephalopathy 14. Identifiers: Orphanet 293181, MedGen C3554195, MONDO:0013989, OMIM 614959.

Allele frequency attached by ClinVar (database versions not stated): 1000 Genomes Project 0.00020; 1000 Genomes Project 30x 0.00031; gnomAD 0.00154 and 0.00159; ESP Exome Variant Server 0.00155; TOPMed 0.00159; gnomAD exomes 0.00186 and 0.00264; ExAC 0.00218.
gnomAD v4.1: 4,030 of 1,610,928 alleles (0.25%); highest among the groups gnomAD compares: Non-Finnish European, 0.3%; 10 homozygotes.

Submissions (12):

Labcorp Genetics (formerly Invitae), Labcorp
Classification: Likely benign for Autosomal dominant nocturnal frontal lobe epilepsy 5; Developmental and epileptic encephalopathy, 14. Last evaluated: 2026-02-02. Review status: criteria provided, single submitter. Criteria: Invitae Variant Classification Sherloc (09022015). Collection method: clinical testing. Allele origin: germline.

CeGaT Center for Human Genetics Tuebingen
Classification: Likely benign. Last evaluated: 2025-05-01. Review status: criteria provided, single submitter. Criteria: CeGaT Center For Human Genetics Tuebingen Variant Classification Criteria Version 2. Collection method: clinical testing. Allele origin: germline. Affected: yes. Observed: 11 variant alleles.
Comment: KCNT1: BP4, BS1

Blueprint Genetics
Classification: Likely benign. Last evaluated: 2024-11-19. Review status: criteria provided, single submitter. Criteria: ACMG Guidelines, 2015. Collection method: clinical testing. Allele origin: germline.

Genome-Nilou Lab
Classification: Benign for Developmental and epileptic encephalopathy, 14. Last evaluated: 2022-03-15. Review status: criteria provided, single submitter. Criteria: ACMG Guidelines, 2015. Collection method: clinical testing. Allele origin: germline. Affected: no.

Genome-Nilou Lab
Classification: Benign for Autosomal dominant nocturnal frontal lobe epilepsy 5. Last evaluated: 2022-03-15. Review status: criteria provided, single submitter. Criteria: ACMG Guidelines, 2015. Collection method: clinical testing. Allele origin: germline. Affected: no.

GeneDx
Classification: Likely benign. Last evaluated: 2021-09-23. Review status: criteria provided, single submitter. Criteria: GeneDx Variant Classification Process June 2021. Collection method: clinical testing. Allele origin: germline. Affected: yes.

Ambry Genetics
Classification: Likely benign for Inborn genetic diseases. Last evaluated: 2018-04-25. Review status: criteria provided, single submitter. Criteria: Ambry Variant Classification Scheme 2023. Collection method: clinical testing. Allele origin: germline.

Eurofins Ntd Llc (ga)
Classification: Benign. Last evaluated: 2017-09-26. Review status: criteria provided, single submitter. Criteria: EGL Classification Definitions 2015. Collection method: clinical testing. Allele origin: germline. Observed: 2 variant alleles, 2 heterozygotes.

Center for Pediatric Genomic Medicine, Children's Mercy Hospital and Clinics
Classification: Likely benign. Last evaluated: 2017-08-16. Review status: criteria provided, single submitter. Criteria: ACMG Guidelines, 2015. Collection method: clinical testing. Allele origin: germline.

PreventionGenetics, part of Exact Sciences
Classification: Benign for KCNT1-related condition. Last evaluated: 2019-10-14. Review status: no assertion criteria provided. Collection method: clinical testing. Allele origin: germline. Not counted in ClinVar's aggregate classification.
Comment: This variant is classified as benign based on ACMG/AMP sequence variant interpretation guidelines (Richards et al. 2015 PMID: 25741868, with internal and published modifications).

Clinical Genetics DNA and cytogenetics Diagnostics Lab, Erasmus MC, Erasmus Medical Center
Classification: Likely benign. Review status: no assertion criteria provided. Collection method: clinical testing. Allele origin: germline. Affected: yes. Study: VKGL Data-share Consensus. Not counted in ClinVar's aggregate classification.

Genome Diagnostics Laboratory, University Medical Center Utrecht
Classification: Likely benign. Review status: no assertion criteria provided. Collection method: clinical testing. Allele origin: germline. Affected: yes. Study: VKGL Data-share Consensus. Not counted in ClinVar's aggregate classification.

NM_020822.3(KCNT1):c.3239G>T (p.Gly1080Val)

Gene: KCNT1 (potassium sodium-activated channel subfamily T member 1; plus strand). Cytogenetic location: 9q34.3.
Variant type: single nucleotide variant.
Coding change: c.3239G>T on transcript NM_020822.3 (MANE Select); coding-DNA position 3239, G replaced by T.
Protein change: p.Gly1080Val; replaces glycine 1080 with valine.
Molecular consequence: missense variant.
Genome position (GRCh38, 1-based): chr9:135,786,258, G>T. VCF-style: chr9-135786258-G-T. GRCh37 (hg19) VCF-style: chr9-138678104-G-T.
Other names: c.3104G>T, p.Gly1035Val (NM_001272003.2); short protein forms G1080V, G1035V.
Identifiers: ClinVar variation 385356 (VCV000385356.57), dbSNP rs200250181, ClinGen allele CA5327754.